The following is an entry in ClinVar:

ClinVar aggregate classification (germline): Likely benign. Review status: criteria provided, multiple submitters, no conflicts (2 of 4 stars). 2 submissions from 2 submitters: Likely benign (2). Last evaluated 2024-09-01.

gnomAD v4.1: 124 of 1,613,356 alleles (0.0077%); highest among the groups gnomAD compares: Non-Finnish European, 0.0096%; no homozygotes.

Submissions (2):

CeGaT Center for Human Genetics Tuebingen
Classification: Likely benign. Last evaluated: 2024-09-01. Review status: criteria provided, single submitter. Criteria: CeGaT Center For Human Genetics Tuebingen Variant Classification Criteria Version 2. Collection method: clinical testing. Allele origin: germline. Affected: yes. Observed: 1 variant allele.
Comment: CIC: BP4, BP7

Blueprint Genetics
Classification: Likely benign. Last evaluated: 2024-07-04. Review status: criteria provided, single submitter. Criteria: ACMG Guidelines, 2015. Collection method: clinical testing. Allele origin: germline.

NM_001386298.1(CIC):c.3108G>A (p.Thr1036=)

Gene: CIC (capicua transcriptional repressor; plus strand). Cytogenetic location: 19q13.2.
Variant type: single nucleotide variant.
Coding change: c.3108G>A on transcript NM_001386298.1 (MANE Select); coding-DNA position 3108, G replaced by A.
Protein change: p.Thr1036=; no amino-acid change (threonine 1036 retained).
Molecular consequence: synonymous variant.
Genome position (GRCh38, 1-based): chr19:42,287,169, G>A. VCF-style: chr19-42287169-G-A. GRCh37 (hg19) VCF-style: chr19-42791321-G-A.
Other names: c.3108G>A, p.Thr1036= (NM_001304815.2, NM_001379480.1, NM_001379482.1); c.381G>A, p.Thr127= (NM_001379484.1, NM_001379485.1, NM_015125.5).
Identifiers: ClinVar variation 3389242 (VCV003389242.15).
Genomic context (GRCh38, chr19:42,287,169, plus strand): 5'-ACCCGGACCCCCACACCCTTTGGGGGTGGTGGAATCTGGTAAGGGTCCGCCTCCCACCAC[G>A]GAGGAGGAGGCCTCCGGCCCCCCAGGAGAGCCCCGGCTGGACAGTGAGACAGAGAGTGAC-3'
Protein context (NP_001373227.1, residues 1026-1046): VESGKGPPPT[Thr1036=]EEEASGPPGE